The following is an entry in ClinVar:

NM_002691.4(POLD1):c.365T>C (p.Val122Ala)

Gene: POLD1 (DNA polymerase delta 1, catalytic subunit; plus strand). Cytogenetic location: 19q13.33.
Variant type: single nucleotide variant.
Coding change: c.365T>C on transcript NM_002691.4 (MANE Select); coding-DNA position 365, T replaced by C.
Protein change: p.Val122Ala; replaces valine 122 with alanine.
Molecular consequence: missense variant. On other transcripts: non-coding transcript variant (1).
Genome position (GRCh38, 1-based): chr19:50,401,826, T>C. VCF-style: chr19-50401826-T-C. GRCh37 (hg19) VCF-style: chr19-50905083-T-C.
Other names: c.365T>C, p.Val122Ala (NM_001256849.1, NM_001308632.1); c.365T>C (NM_002691.2); short protein forms V122A.
Identifiers: ClinVar variation 1399914 (VCV001399914.9), dbSNP rs2122232967, ClinGen allele CA406972274.

ClinVar aggregate classification (germline): Conflicting classifications of pathogenicity. Review status: criteria provided, conflicting classifications (1 of 4 stars). 2 submissions from 2 submitters: Uncertain significance (1); Likely benign (1). Last evaluated 2025-03-26.

Conditions:
POLD1-related polyposis and colorectal cancer syndrome (CRCS10). Also called: Colorectal cancer, susceptibility to, 10; Colorectal cancer 10; COLORECTAL CANCER, SUSCEPTIBILITY TO, ON CHROMOSOME 19q. Identifiers: Orphanet 220460, MedGen C2675481, MONDO:0012953, OMIM 612591.
Hereditary cancer-predisposing syndrome. Also called: Tumor predisposition; Hereditary Cancer Syndrome; Hereditary neoplastic syndrome; Neoplastic Syndromes, Hereditary. Identifiers: Orphanet 140162, MedGen C0027672, MeSH D009386, MONDO:0015356.

Submissions (2):

Ambry Genetics
Classification: Likely benign for Hereditary cancer-predisposing syndrome. Last evaluated: 2025-03-26. Review status: criteria provided, single submitter. Criteria: Ambry Variant Classification Scheme 2023. Collection method: clinical testing. Allele origin: germline.

Labcorp Genetics (formerly Invitae), Labcorp
Classification: Uncertain significance for POLD1-related polyposis and colorectal cancer syndrome. Last evaluated: 2021-05-07. Review status: criteria provided, single submitter. Criteria: Invitae Variant Classification Sherloc (09022015). Collection method: clinical testing. Allele origin: germline.
Comment: In summary, the available evidence is currently insufficient to determine the role of this variant in disease. Therefore, it has been classified as a Variant of Uncertain Significance. Algorithms developed to predict the effect of missense changes on protein structure and function output the following: SIFT: "Tolerated"; PolyPhen-2: "Benign"; Align-GVGD: "Class C0". The alanine amino acid residue is found in multiple mammalian species, suggesting that this missense change does not adversely affect protein function. These predictions have not been confirmed by published functional studies and their clinical significance is uncertain. This variant has not been reported in the literature in individuals with POLD1-related conditions. This variant is not present in population databases (ExAC no frequency). This sequence change replaces valine with alanine at codon 122 of the POLD1 protein (p.Val122Ala). The valine residue is moderately conserved and there is a small physicochemical difference between valine and alanine.